The following is an entry in ClinVar:

NM_052947.4(ALPK2):c.5920A>G (p.Asn1974Asp)

Gene: ALPK2 (alpha kinase 2; minus strand). Cytogenetic location: 18q21.31.
Variant type: single nucleotide variant.
Coding change: c.5920A>G on transcript NM_052947.4 (MANE Select); coding-DNA position 5920, A replaced by G.
Protein change: p.Asn1974Asp; replaces asparagine 1974 with aspartic acid.
Molecular consequence: missense variant.
Genome position (GRCh38, 1-based): chr18:58,516,928, T>C on the plus strand (A>G on the coding strand, the complement: ALPK2 is on the minus strand). VCF-style: chr18-58516928-T-C. GRCh37 (hg19) VCF-style: chr18-56184160-T-C.
Other names: short protein forms N1974D.
Identifiers: ClinVar variation 1750511 (VCV001750511.2), dbSNP rs2518862615, ClinGen allele CA402547779.

ClinVar aggregate classification (germline): Uncertain significance (1 of 4 stars; one submission).

Allele frequency attached by ClinVar (database versions not stated): gnomAD exomes below 0.00001.
gnomAD v4.1: 4 of 1,613,660 alleles (0.00025%); highest among the groups gnomAD compares: South Asian, 0.0044%; no homozygotes.

Submission:

Ambry Genetics
Classification: Uncertain significance. Last evaluated: 2022-08-08. Review status: criteria provided, single submitter. Criteria: Ambry Variant Classification Scheme 2023. Collection method: clinical testing. Allele origin: germline.
Comment: The p.N1974D variant (also known as c.5920A>G), located in coding exon 8 of the ALPK2 gene, results from an A to G substitution at nucleotide position 5920. The asparagine at codon 1974 is replaced by aspartic acid, an amino acid with highly similar properties. This amino acid position is conserved. In addition, this alteration is predicted to be tolerated by in silico analysis. Since supporting evidence is limited at this time, the clinical significance of this alteration remains unclear.